The following is an entry in ClinVar:

ClinVar aggregate classification (germline): Benign/Likely benign. Review status: criteria provided, multiple submitters, no conflicts (2 of 4 stars). 7 submissions from 6 submitters: Benign (5); Likely benign (2). Last evaluated 2026-01-27.

Conditions:
Autosomal recessive nonsyndromic hearing loss 21. Identifiers: Orphanet 90636, MedGen C1863655, MONDO:0011351, OMIM 603629.
Autosomal dominant nonsyndromic hearing loss 12. Also called: DEAFNESS, AUTOSOMAL DOMINANT 8. Identifiers: Orphanet 90635, MedGen C1832187, MONDO:0011102, OMIM 601543.

Allele frequency attached by ClinVar (database versions not stated): gnomAD exomes 0.00791; ExAC 0.00986; gnomAD 0.03010 and 0.03205; TOPMed 0.03447; ESP Exome Variant Server 0.03468; 1000 Genomes Project 0.04333; 1000 Genomes Project 30x 0.04341.
gnomAD v4.1: 9,171 of 1,614,236 alleles (0.57%); highest among the groups gnomAD compares: African/African-American, 10%; 387 homozygotes.

Submissions (10):

Labcorp Genetics (formerly Invitae), Labcorp
Classification: Benign. Last evaluated: 2026-01-27. Review status: criteria provided, single submitter. Criteria: Invitae Variant Classification Sherloc (09022015). Collection method: clinical testing. Allele origin: germline.

Mayo Clinic Laboratories, Mayo Clinic
Classification: Benign. Last evaluated: 2022-04-17. Review status: criteria provided, single submitter. Criteria: ACMG Guidelines, 2015. Collection method: clinical testing. Allele origin: germline. Observed: 4 variant alleles.

Illumina Laboratory Services, Illumina
Classification: Likely benign for Autosomal recessive nonsyndromic hearing loss 21. Last evaluated: 2018-01-13. Review status: criteria provided, single submitter. Criteria: ICSL Variant Classification Criteria 13 December 2019. Collection method: clinical testing. Allele origin: germline.
Comment: This variant was observed in the ICSL laboratory as part of a predisposition screen in an ostensibly healthy population. It had not been previously curated by ICSL or reported in the Human Gene Mutation Database (HGMD: prior to June 1st, 2018), and was therefore a candidate for classification through an automated scoring system. Utilizing variant allele frequency, disease prevalence and penetrance estimates, and inheritance mode, an automated score was calculated to assess if this variant is too frequent to cause the disease. Based on the score and internal cut-off values, a variant classified as likely benign is not then subjected to further curation. The score for this variant resulted in a classification of likely benign for this disease.

Illumina Laboratory Services, Illumina
Classification: Benign for Autosomal dominant nonsyndromic hearing loss 12. Last evaluated: 2018-01-13. Review status: criteria provided, single submitter. Criteria: ICSL Variant Classification Criteria 13 December 2019. Collection method: clinical testing. Allele origin: germline.
Comment: This variant was observed in the ICSL laboratory as part of a predisposition screen in an ostensibly healthy population. It had not been previously curated by ICSL or reported in the Human Gene Mutation Database (HGMD: prior to June 1st, 2018), and was therefore a candidate for classification through an automated scoring system. Utilizing variant allele frequency, disease prevalence and penetrance estimates, and inheritance mode, an automated score was calculated to assess if this variant is too frequent to cause the disease. Based on the score and internal cut-off values, a variant classified as benign is not then subjected to further curation. The score for this variant resulted in a classification of benign for this disease.

GeneDx
Classification: Benign. Last evaluated: 2017-10-23. Review status: criteria provided, single submitter. Criteria: GeneDx Variant Classification (06012015). Collection method: clinical testing. Allele origin: germline. Affected: yes.
Comment: This variant is considered likely benign or benign based on one or more of the following criteria: it is a conservative change, it occurs at a poorly conserved position in the protein, it is predicted to be benign by multiple in silico algorithms, and/or has population frequency not consistent with disease.

Laboratory for Molecular Medicine, Mass General Brigham Personalized Medicine
Classification: Benign. Last evaluated: 2012-05-07. Review status: criteria provided, single submitter. Criteria: LMM Criteria. Collection method: clinical testing. Allele origin: germline. Observed: 37 variant alleles.
Comment: "Val1911Val in Exon 18 of TECTA: This variant is not expected to have clinical s ignificance because it does not alter an amino acid residue, is not located with in the splice consensus sequence, and has been identified in 10.1% (379/3738) of African American chromosomes from a broad population by the NHLBI Exome Sequenc ing Project (dbSNP rs516678)."

Breakthrough Genomics
Classification: Likely benign. Review status: criteria provided, single submitter. Criteria: ACMG Guidelines, 2015. Collection method: not provided. Allele origin: germline. Inheritance: Autosomal recessive inheritance. Affected: yes.

Dr. Peter K. Rogan Lab, Western University
No classification provided (evidence only). Condition: Clear cell carcinoma of kidney. Review status: no classification provided. Collection method: in vitro. Allele origin: not applicable. Functional consequence: retained intron. Not counted in ClinVar's aggregate classification.

Dr. Peter K. Rogan Lab, Western University
No classification provided (evidence only). Condition: Lung cancer. Review status: no classification provided. Collection method: in vitro. Allele origin: not applicable. Functional consequence: retained intron. Not counted in ClinVar's aggregate classification.

Dr. Peter K. Rogan Lab, Western University
No classification provided (evidence only). Condition: Lung cancer. Review status: no classification provided. Collection method: in vitro. Allele origin: not applicable. Functional consequence: retained intron. Not counted in ClinVar's aggregate classification.

NM_005422.4(TECTA):c.5733T>G (p.Val1911=)

Genes: TECTA (tectorin alpha; plus strand), TBCEL-TECTA (TBCEL-TECTA readthrough; plus strand). Cytogenetic location: 11q23.3.
Variant type: single nucleotide variant.
Coding change: c.5733T>G on transcript NM_005422.4 (MANE Select); coding-DNA position 5733, T replaced by G.
Protein change: p.Val1911=; no amino-acid change (valine 1911 retained).
Molecular consequence: synonymous variant.
Genome position (GRCh38, 1-based): chr11:121,168,200, T>G. VCF-style: chr11-121168200-T-G. GRCh37 (hg19) VCF-style: chr11-121038909-T-G.
Other names: p.Val1911=; c.6675T>G, p.Val2225= (NM_001378761.1).
Identifiers: ClinVar variation 45340 (VCV000045340.21), dbSNP rs516678, ClinGen allele CA136069.